The following is an entry in ClinVar:

NM_002055.5(GFAP):c.548G>A (p.Arg183His)

Gene: GFAP (glial fibrillary acidic protein; minus strand). Cytogenetic location: 17q21.31.
Variant type: single nucleotide variant.
Coding change: c.548G>A on transcript NM_002055.5 (MANE Select); coding-DNA position 548, G replaced by A.
Protein change: p.Arg183His; replaces arginine 183 with histidine.
Molecular consequence: missense variant.
Genome position (GRCh38, 1-based): chr17:44,913,798, C>T on the plus strand (G>A on the coding strand, the complement: GFAP is on the minus strand). VCF-style: chr17-44913798-C-T. GRCh37 (hg19) VCF-style: chr17-42991166-C-T.
Other names: c.548G>A, p.Arg183His (NM_001131019.3, NM_001242376.3, NM_001363846.2); short protein forms R183H.
Identifiers: ClinVar variation 2181293 (VCV002181293.4), dbSNP rs769613792, ClinGen allele CA8608966.

ClinVar aggregate classification (germline): Uncertain significance (1 of 4 stars; one submission).

Allele frequency attached by ClinVar (database versions not stated): ExAC 0.00003; gnomAD 0.00003.
gnomAD v4.1: 86 of 1,614,048 alleles (0.0053%); highest among the groups gnomAD compares: Admixed American, 0.012%; no homozygotes.

Submission:

Labcorp Genetics (formerly Invitae), Labcorp
Classification: Uncertain significance. Last evaluated: 2024-10-07. Review status: criteria provided, single submitter. Criteria: Invitae Variant Classification Sherloc (09022015). Collection method: clinical testing. Allele origin: germline.
Comment: This sequence change replaces arginine, which is basic and polar, with histidine, which is basic and polar, at codon 183 of the GFAP protein (p.Arg183His). This variant is present in population databases (rs769613792, gnomAD 0.008%). This variant has not been reported in the literature in individuals affected with GFAP-related conditions. ClinVar contains an entry for this variant (Variation ID: 2181293). Invitae Evidence Modeling of protein sequence and biophysical properties (such as structural, functional, and spatial information, amino acid conservation, physicochemical variation, residue mobility, and thermodynamic stability) has been performed for this missense variant. However, the output from this modeling did not meet the statistical confidence thresholds required to predict the impact of this variant on GFAP protein function. In summary, the available evidence is currently insufficient to determine the role of this variant in disease. Therefore, it has been classified as a Variant of Uncertain Significance.